The following is an entry in ClinVar:

ClinVar aggregate classification (germline): Uncertain significance (1 of 4 stars; one submission).

Conditions:
Primary immunodeficiency with post-measles-mumps-rubella vaccine viral infection. Also called: Immunodeficiency 44. Identifiers: Orphanet 431166, MedGen C4225260, MONDO:0014715, OMIM 616636.

Allele frequency attached by ClinVar (database versions not stated): gnomAD exomes 0.00002; ExAC 0.00003; TOPMed 0.00010.
gnomAD v4.1: 36 of 1,614,024 alleles (0.0022%); highest among the groups gnomAD compares: African/African-American, 0.029%; no homozygotes.

Submission:

Labcorp Genetics (formerly Invitae), Labcorp
Classification: Uncertain significance for Primary immunodeficiency with post-measles-mumps-rubella vaccine viral infection. Last evaluated: 2025-11-28. Review status: criteria provided, single submitter. Criteria: Invitae Variant Classification Sherloc (09022015). Collection method: clinical testing. Allele origin: germline.
Comment: This sequence change replaces glutamic acid, which is acidic and polar, with lysine, which is basic and polar, at codon 135 of the STAT2 protein (p.Glu135Lys). This variant is present in population databases (rs753806117, gnomAD 0.02%). This variant has not been reported in the literature in individuals affected with STAT2-related conditions. ClinVar contains an entry for this variant (Variation ID: 957409). Invitae Evidence Modeling of protein sequence and biophysical properties (such as structural, functional, and spatial information, amino acid conservation, physicochemical variation, residue mobility, and thermodynamic stability) has been performed for this missense variant. However, the output from this modeling did not meet the statistical confidence thresholds required to predict the impact of this variant on STAT2 protein function. In summary, the available evidence is currently insufficient to determine the role of this variant in disease. Therefore, it has been classified as a Variant of Uncertain Significance.

NM_005419.4(STAT2):c.403G>A (p.Glu135Lys)

Gene: STAT2 (signal transducer and activator of transcription 2; minus strand). Cytogenetic location: 12q13.3.
Variant type: single nucleotide variant.
Coding change: c.403G>A on transcript NM_005419.4 (MANE Select); coding-DNA position 403, G replaced by A.
Protein change: p.Glu135Lys; replaces glutamic acid 135 with lysine.
Molecular consequence: missense variant.
Genome position (GRCh38, 1-based): chr12:56,355,511, C>T on the plus strand (G>A on the coding strand, the complement: STAT2 is on the minus strand). VCF-style: chr12-56355511-C-T. GRCh37 (hg19) VCF-style: chr12-56749295-C-T.
Other names: c.391G>A, p.Glu131Lys (NM_198332.2); short protein forms E131K, E135K.
Identifiers: ClinVar variation 957409 (VCV000957409.8), dbSNP rs753806117, ClinGen allele CA6630875.